The following is an entry in ClinVar:

ClinVar aggregate classification (germline): Conflicting classifications of pathogenicity. Review status: criteria provided, conflicting classifications (1 of 4 stars). 3 submissions from 3 submitters: Likely pathogenic (2); Uncertain significance (1). Last evaluated 2022-05-31.

Conditions:
RYR1-related disorder. Also called: RYR1-related disorders; RYR1-related condition. Identifiers: MedGen CN239331.
Arthrogryposis multiplex congenita (AMC). Also called: Congenital multiple arthrogryposis; Fibrous ankylosis of multiple joints; Congenital arthromyodysplasia; Myodystrophia fetalis deformans; Otto syndrome; Rocher-Sheldon syndrome. Identifiers: Orphanet 1037, MedGen C5779613, MeSH D001176, MONDO:0015168, HP:0002804.
Fetal akinesia deformation sequence 1 (FADS1). Also called: Pena-Shokeir syndrome type I; Fetal akinesia sequence. Identifiers: Orphanet 994, MedGen C1276035, MONDO:0100101, OMIM 208150, HP:0001989.

Submissions (3):

Labcorp Genetics (formerly Invitae), Labcorp
Classification: Likely pathogenic for RYR1-related disorder. Last evaluated: 2022-05-31. Review status: criteria provided, single submitter. Criteria: Invitae Variant Classification Sherloc (09022015). Collection method: clinical testing. Allele origin: germline.
Comment: In summary, the currently available evidence indicates that the variant is pathogenic, but additional data are needed to prove that conclusively. Therefore, this variant has been classified as Likely Pathogenic. Advanced modeling of protein sequence and biophysical properties (such as structural, functional, and spatial information, amino acid conservation, physicochemical variation, residue mobility, and thermodynamic stability) performed at Invitae indicates that this missense variant is expected to disrupt RYR1 protein function. ClinVar contains an entry for this variant (Variation ID: 692292). This missense change has been observed in individual(s) with autosomal recessive centronuclear myopathy (PMID: 31680123). In at least one individual the data is consistent with being in trans (on the opposite chromosome) from a pathogenic variant. This variant is not present in population databases (gnomAD no frequency). This sequence change replaces leucine, which is neutral and non-polar, with proline, which is neutral and non-polar, at codon 2433 of the RYR1 protein (p.Leu2433Pro).

CeGaT Center for Human Genetics Tuebingen
Classification: Uncertain significance. Last evaluated: 2021-08-01. Review status: criteria provided, single submitter. Criteria: CeGaT Center For Human Genetics Tuebingen Variant Classification Criteria Version 2. Collection method: clinical testing. Allele origin: germline. Affected: yes. Observed: 1 variant allele.

Cirak Lab, University Hospital Cologne
Classification: Likely pathogenic for Arthrogryposis multiplex congenita; Fetal akinesia sequence. Last evaluated: 2019-06-28. Review status: criteria provided, single submitter. Criteria: ACMG Guidelines, 2015. Collection method: research. Allele origin: maternal. Affected: yes. Observed: 1 variant allele.

Literature cited by the submitters: PubMed 31680123 (cited by Labcorp Genetics (formerly Invitae), Labcorp and Cirak Lab, University Hospital Cologne).

NM_000540.3(RYR1):c.7298T>C (p.Leu2433Pro)

Gene: RYR1 (ryanodine receptor 1; plus strand). Cytogenetic location: 19q13.2.
Variant type: single nucleotide variant.
Coding change: c.7298T>C on transcript NM_000540.3 (MANE Select); coding-DNA position 7298, T replaced by C.
Protein change: p.Leu2433Pro; replaces leucine 2433 with proline.
Molecular consequence: missense variant.
Genome position (GRCh38, 1-based): chr19:38,499,991, T>C. VCF-style: chr19-38499991-T-C. GRCh37 (hg19) VCF-style: chr19-38990631-T-C.
Other names: c.7298T>C, p.Leu2433Pro (NM_001042723.2); short protein forms L2433P.
Identifiers: ClinVar variation 692292 (VCV000692292.41), dbSNP rs1600822174, ClinGen allele CA405669567.
Genomic context (GRCh38, chr19:38,499,991, plus strand): 5'-AAAACCGGGTGCACCTGGGACACGCCATCATGTCCTTCTATGCCGCCTTGATCGACCTGC[T>C]CGGACGCTGTGCACCAGAGATGCATGTGAGACCCTGAGCCAGGGCAGGATGGGAAGGGAG-3'
Protein context (NP_000531.2, residues 2423-2443): MSFYAALIDL[Leu2433Pro]GRCAPEMHLI